The following is an entry in ClinVar:

ClinVar aggregate classification (germline): Benign/Likely benign. Review status: criteria provided, multiple submitters, no conflicts (2 of 4 stars). 4 submissions from 4 submitters: Benign (3); Likely benign (1). Last evaluated 2026-02-01.

Conditions:
Collagen 6-related myopathy. Identifiers: MedGen CN117976, MONDO:0100225.
Bethlem myopathy 1A. Also called: Bethlem myopathy 1; MYOPATHY, BENIGN CONGENITAL, WITH CONTRACTURES; Bethlem Muscular Dystrophy. Identifiers: Orphanet 610, MedGen CN029274, MONDO:0024530, OMIM 158810.

Allele frequency attached by ClinVar (database versions not stated): gnomAD 0.00860; TOPMed 0.00974; ESP Exome Variant Server 0.00984; 1000 Genomes Project 0.01278; 1000 Genomes Project 30x 0.01312.
gnomAD v4.1: 2,886 of 1,612,802 alleles (0.18%); highest among the groups gnomAD compares: African/African-American, 3.1%; 37 homozygotes.

Submissions (4):

Labcorp Genetics (formerly Invitae), Labcorp
Classification: Benign for Bethlem myopathy 1A. Last evaluated: 2026-02-01. Review status: criteria provided, single submitter. Criteria: Invitae Variant Classification Sherloc (09022015). Collection method: clinical testing. Allele origin: germline.

Illumina Laboratory Services, Illumina
Classification: Benign for Collagen VI-related myopathy. Last evaluated: 2018-01-13. Review status: criteria provided, single submitter. Criteria: ICSL Variant Classification Criteria 13 December 2019. Collection method: clinical testing. Allele origin: germline.
Comment: This variant was observed in the ICSL laboratory as part of a predisposition screen in an ostensibly healthy population. It had not been previously curated by ICSL or reported in the Human Gene Mutation Database (HGMD: prior to June 1st, 2018), and was therefore a candidate for classification through an automated scoring system. Utilizing variant allele frequency, disease prevalence and penetrance estimates, and inheritance mode, an automated score was calculated to assess if this variant is too frequent to cause the disease. Based on the score and internal cut-off values, a variant classified as benign is not then subjected to further curation. The score for this variant resulted in a classification of benign for this disease.

GeneDx
Classification: Benign. Last evaluated: 2017-01-06. Review status: criteria provided, single submitter. Criteria: GeneDx Variant Classification (06012015). Collection method: clinical testing. Allele origin: germline. Affected: yes.
Comment: This variant is considered likely benign or benign based on one or more of the following criteria: it is a conservative change, it occurs at a poorly conserved position in the protein, it is predicted to be benign by multiple in silico algorithms, and/or has population frequency not consistent with disease.

PreventionGenetics, part of Exact Sciences
Classification: Likely benign. Review status: criteria provided, single submitter. Criteria: ACMG Guidelines, 2015. Collection method: clinical testing. Allele origin: germline.

NM_001849.4(COL6A2):c.1672-12G>A

Gene: COL6A2 (collagen type VI alpha 2 chain; plus strand). Cytogenetic location: 21q22.3.
Variant type: single nucleotide variant.
Coding change: c.1672-12G>A on transcript NM_001849.4 (MANE Select); 12 bases into the intron before coding-DNA position 1672, G replaced by A.
Molecular consequence: intron variant.
Genome position (GRCh38, 1-based): chr21:46,124,639, G>A. VCF-style: chr21-46124639-G-A. GRCh37 (hg19) VCF-style: chr21-47544553-G-A.
Other names: c.1672-12G>A (NM_058175.3, NM_058174.3).
Identifiers: ClinVar variation 258318 (VCV000258318.17), dbSNP rs113857622, ClinGen allele CA10072109.